The following is an entry in ClinVar:

ClinVar aggregate classification (germline): Likely benign (1 of 4 stars; one submission).

Allele frequency attached by ClinVar (database versions not stated): gnomAD 0.00021; TOPMed 0.00028; ExAC 0.00071; 1000 Genomes Project 30x 0.00104; 1000 Genomes Project 0.00106; gnomAD exomes 0.00016.
gnomAD v4.1: 218 of 1,191,809 alleles (0.018%); highest among the groups gnomAD compares: East Asian, 0.33%; no homozygotes.

Submission:

CeGaT Center for Human Genetics Tuebingen
Classification: Likely benign. Last evaluated: 2023-02-01. Review status: criteria provided, single submitter. Criteria: CeGaT Center For Human Genetics Tuebingen Variant Classification Criteria Version 2. Collection method: clinical testing. Allele origin: germline. Affected: yes. Observed: 1 variant allele.
Comment: PPP1R3F: BS2

NM_033215.5(PPP1R3F):c.929C>T (p.Pro310Leu)

Gene: PPP1R3F (protein phosphatase 1 regulatory subunit 3F; plus strand). Cytogenetic location: Xp11.23.
Variant type: single nucleotide variant.
Coding change: c.929C>T on transcript NM_033215.5 (MANE Select); coding-DNA position 929, C replaced by T.
Protein change: p.Pro310Leu; replaces proline 310 with leucine.
Molecular consequence: missense variant. On other transcripts: intron variant (1).
Genome position (GRCh38, 1-based): chrX:49,270,798, C>T. VCF-style: chrX-49270798-C-T. GRCh37 (hg19) VCF-style: chrX-49127261-C-T.
Other names: c.-32+865C>T (NM_001184745.2); short protein forms P310L.
Identifiers: ClinVar variation 2660533 (VCV002660533.24), dbSNP rs201255108, ClinGen allele CA10412021.